The following is an entry in ClinVar:

ClinVar aggregate classification (germline): Likely pathogenic (1 of 4 stars; one submission).

Submission:

Dasa
Classification: Likely pathogenic. Last evaluated: 2024-10-11. Review status: criteria provided, single submitter. Criteria: DASA Assertion Criteria. Collection method: clinical testing. Allele origin: germline.
Comment: NM_018082.6(POLR3B):c.2010_2011dup (p.Leu671Hisfs*28) is a frameshift variant in POLR3B predicted to alter the reading frame and introduce a premature termination codon and is predicted to result in an absent or altered protein product. Loss of function is an established disease mechanism for POLR3B-associated disorders. Also, this variant is absent from population databases. Based on the currently available evidence, this variant is classified as likely pathogenic.

NM_018082.6(POLR3B):c.2010_2011dup (p.Leu671fs)

Gene: POLR3B (RNA polymerase III subunit B; plus strand). Cytogenetic location: 12q23.3.
Variant type: Duplication.
Coding change: c.2010_2011dup on transcript NM_018082.6 (MANE Select); coding-DNA positions 2010 to 2011, 2 bases duplicated (AC; older notation c.2010_2011dupAC).
Protein change: p.Leu671fs; shifts the reading frame from leucine 671.
Molecular consequence: frameshift variant.
Genome position (GRCh38, 1-based): chr12:106,444,517-106,444,518, AC duplicated. VCF-style (leftmost placement, unchanged base first): chr12-106444516-G-GAC. GRCh37 (hg19) VCF-style: chr12-106838294-G-GAC.
Other names: c.1836_1837dup, p.Leu613fs (NM_001160708.2); short protein forms L613fs, L671fs.
Identifiers: ClinVar variation 4886544 (VCV004886544.2).